The following is an entry in ClinVar:

NM_005141.4(FGB):c.586C>T (p.Arg196Cys)

Gene: FGB (fibrinogen beta chain; plus strand). Cytogenetic location: 4q31.3.
Variant type: single nucleotide variant.
Coding change: c.586C>T on transcript NM_005141.4; coding-DNA position 586, C replaced by T.
Protein change: p.Arg196Cys; replaces arginine 196 with cysteine.
Molecular consequence: missense variant (on NM_005141.5).
Genome position (GRCh38, 1-based): chr4:154,567,688, C>T. VCF-style: chr4-154567688-C-T. GRCh37 (hg19) VCF-style: chr4-155488840-C-T.
Other names: R166C; c.409C>T, p.Arg137Cys (NM_001184741.1); c.454C>T, p.Arg152Cys (NM_001382759.1); c.586C>T, p.Arg196Cys (NM_001382760.1, NM_001382761.1, NM_001382762.1 and 4 more transcripts); short protein forms R196C, R137C, R152C.
Identifiers: ClinVar variation 16391 (VCV000016391.6), dbSNP rs121909623, ClinGen allele CA126446.
Genomic context (GRCh38, chr4:154,567,688, plus strand): 5'-CTGGAAAAGCACCAATTATATATAGATGAGACTGTGAATAGCAATATCCCAACTAACCTT[C>T]GTGTGCTTCGTTCAATCCTGGAAAACCTGAGAAGCAAAATACAAAAGTTAGAATCTGATG-3'
Protein context (NP_005132.2, residues 186-206): TVNSNIPTNL[Arg196Cys]VLRSILENLR

ClinVar aggregate classification (germline): Uncertain significance. Review status: criteria provided, single submitter (1 of 4 stars). 3 submissions from 3 submitters: Uncertain significance (1). 2 of the submissions do not count toward it. Last evaluated 2019-02-01.

Conditions:
FIBRINOGEN LONGMONT.
Hypofibrinogenemia. Identifiers: MedGen C0553681, HP:0011900.
FGB-related disorder. Also called: FGB-related condition.

Allele frequency attached by ClinVar (database versions not stated): gnomAD exomes below 0.00001; TOPMed below 0.00001.
gnomAD v4.1: 2 of 1,613,504 alleles (0.00012%); highest among the groups gnomAD compares: Non-Finnish European, 0.00017%; no homozygotes.

Submissions (3):

NIHR Bioresource Rare Diseases, University of Cambridge
Classification: Uncertain significance for Hypofibrinogenemia. Last evaluated: 2019-02-01. Review status: criteria provided, single submitter. Criteria: ACMG Guidelines, 2015. Collection method: research. Allele origin: unknown. Affected: yes. Observed: 2 heterozygotes. Study: ThromboGenomics.

PreventionGenetics, part of Exact Sciences
Classification: Likely pathogenic for FGB-related condition. Last evaluated: 2024-08-14. Review status: no assertion criteria provided. Collection method: clinical testing. Allele origin: germline. Not counted in ClinVar's aggregate classification.
Comment: The FGB c.586C>T variant is predicted to result in the amino acid substitution p.Arg196Cys. This variant has been reported in multiple individuals with congenital dysfibrinogenemia (Lounes et al. 2001. PubMed ID: 11468164; Chinni et al. 2018. PubMed ID: 30418131; Table S3, Downes et al. 2019. PubMed ID: 31064749; Table S3, Gindele et al. 2021. PubMed ID: 33807613; Simurda et al. 2024. PubMed ID: 38251440). In vitro studies suggest that this variant disrupts fibrinogen polymerization, leading to impaired clot formation (Lounes et al. 2001. PubMed ID: 11468164). This variant is reported in 0.00088% of alleles in individuals of European (Non-Finnish) descent in gnomAD. Taken together, this variant is interpreted as likely pathogenic.

OMIM
Classification: other for FIBRINOGEN LONGMONT. Last evaluated: 2018-03-29. Review status: no assertion criteria provided. Collection method: literature only. Allele origin: germline. Not counted in ClinVar's aggregate classification.

Literature cited by the submitters: PubMed 31064749 (cited by NIHR Bioresource Rare Diseases, University of Cambridge); PubMed 11468164 (cited by OMIM).